The following is an entry in ClinVar:

ClinVar aggregate classification (germline): Uncertain significance. Review status: criteria provided, multiple submitters, no conflicts (2 of 4 stars). 2 submissions from 2 submitters: Uncertain significance (2). Last evaluated 2025-08-29.

Conditions:
Inborn genetic diseases. Identifiers: MedGen C0950123, MeSH D030342.
Neuropathy, hereditary sensory, type 1F. Also called: Hereditary sensory neuropathy type IF; HSN IF. Identifiers: Orphanet 36386, MedGen C3810194, MONDO:0014286, OMIM 615632.

Allele frequency attached by ClinVar (database versions not stated): ExAC 0.00002; TOPMed 0.00001; gnomAD exomes 0.00002 and 0.00006.
gnomAD v4.1: 89 of 1,613,976 alleles (0.0055%); highest among the groups gnomAD compares: Non-Finnish European, 0.0073%; no homozygotes.

Submissions (2):

Ambry Genetics
Classification: Uncertain significance for Inborn genetic diseases. Last evaluated: 2025-08-29. Review status: criteria provided, single submitter. Criteria: Ambry Variant Classification Scheme 2023. Collection method: clinical testing. Allele origin: germline.

Labcorp Genetics (formerly Invitae), Labcorp
Classification: Uncertain significance for Neuropathy, hereditary sensory, type 1F. Last evaluated: 2025-04-10. Review status: criteria provided, single submitter. Criteria: Invitae Variant Classification Sherloc (09022015). Collection method: clinical testing. Allele origin: germline.
Comment: This sequence change replaces isoleucine, which is neutral and non-polar, with threonine, which is neutral and polar, at codon 285 of the ATL3 protein (p.Ile285Thr). This variant is present in population databases (rs769032474, gnomAD 0.003%). This variant has not been reported in the literature in individuals affected with ATL3-related conditions. ClinVar contains an entry for this variant (Variation ID: 541680). Invitae Evidence Modeling of protein sequence and biophysical properties (such as structural, functional, and spatial information, amino acid conservation, physicochemical variation, residue mobility, and thermodynamic stability) indicates that this missense variant is expected to disrupt ATL3 protein function with a positive predictive value of 80%. In summary, the available evidence is currently insufficient to determine the role of this variant in disease. Therefore, it has been classified as a Variant of Uncertain Significance.

NM_015459.5(ATL3):c.854T>C (p.Ile285Thr)

Genes: ATL3 (atlastin GTPase 3; minus strand), LNCROPM (lncRNA regulator of PLAAT3 mediated phospholipid metabolism; plus strand). Cytogenetic location: 11q13.1.
Variant type: single nucleotide variant.
Coding change: c.854T>C on transcript NM_015459.5 (MANE Select); coding-DNA position 854, T replaced by C.
Protein change: p.Ile285Thr; replaces isoleucine 285 with threonine.
Molecular consequence: missense variant.
Genome position (GRCh38, 1-based): chr11:63,636,331, A>G on the plus strand (T>C on the coding strand, the complement: ATL3 is on the minus strand). VCF-style: chr11-63636331-A-G. GRCh37 (hg19) VCF-style: chr11-63403803-A-G.
Other names: c.800T>C, p.Ile267Thr (NM_001290048.2); short protein forms I267T, I285T.
Identifiers: ClinVar variation 541680 (VCV000541680.13), dbSNP rs769032474, ClinGen allele CA6063660.
Genomic context (GRCh38, chr11:63,636,331, plus strand): 5'-TTAGATGGGTTTAATACATACGGTATCAGTGCCTGTAACTGCTCTTTGAATTCACCAGCA[A>G]TATCTGTTCACAGGACGACAAAGAAGGGAAAAATAAGCCAAACAGCCTTATTCAACCAAG-3'
Protein context (NP_056274.3, residues 275-295): SPDFDGKLKD[Ile285Thr]AGEFKEQLQA